The following is an entry in ClinVar:

NM_000784.4(CYP27A1):c.1121T>A (p.Val374Glu)

Gene: CYP27A1 (cytochrome P450 family 27 subfamily A member 1; plus strand). Cytogenetic location: 2q35.
Variant type: single nucleotide variant.
Coding change: c.1121T>A on transcript NM_000784.4 (MANE Select); coding-DNA position 1121, T replaced by A.
Protein change: p.Val374Glu; replaces valine 374 with glutamic acid.
Molecular consequence: missense variant.
Genome position (GRCh38, 1-based): chr2:218,814,124, T>A. VCF-style: chr2-218814124-T-A. GRCh37 (hg19) VCF-style: chr2-219678847-T-A.
Other names: short protein forms V374E.
Identifiers: ClinVar variation 1019728 (VCV001019728.8), dbSNP rs1943755995, ClinGen allele CA350592134.

ClinVar aggregate classification (germline): Uncertain significance (1 of 4 stars; one submission).

Conditions:
Cholestanol storage disease (CTX). Also called: CEREBRAL CHOLESTERINOSIS; CTX: Cerebrotendinous xanthomatosis; Cerebrotendinous Xanthomatosis. Identifiers: Orphanet 909, MedGen C0238052, MONDO:0008948, OMIM 213700.

Submission:

Labcorp Genetics (formerly Invitae), Labcorp
Classification: Uncertain significance for Cholestanol storage disease. Last evaluated: 2022-07-12. Review status: criteria provided, single submitter. Criteria: Invitae Variant Classification Sherloc (09022015). Collection method: clinical testing. Allele origin: germline.
Comment: In summary, the available evidence is currently insufficient to determine the role of this variant in disease. Therefore, it has been classified as a Variant of Uncertain Significance. Advanced modeling of protein sequence and biophysical properties (such as structural, functional, and spatial information, amino acid conservation, physicochemical variation, residue mobility, and thermodynamic stability) performed at Invitae indicates that this missense variant is not expected to disrupt CYP27A1 protein function. ClinVar contains an entry for this variant (Variation ID: 1019728). This variant has not been reported in the literature in individuals affected with CYP27A1-related conditions. This variant is not present in population databases (gnomAD no frequency). This sequence change replaces valine, which is neutral and non-polar, with glutamic acid, which is acidic and polar, at codon 374 of the CYP27A1 protein (p.Val374Glu).